The following is an entry in ClinVar:

ClinVar aggregate classification (germline): Likely benign (1 of 4 stars; one submission).

Conditions:
PCSK1-related disorder. Also called: PCSK1-related condition.

gnomAD v4.1: 13 of 1,613,996 alleles (0.00081%); highest among the groups gnomAD compares: Non-Finnish European, 0.0011%; no homozygotes.

Submission:

PreventionGenetics, part of Exact Sciences
Classification: Likely benign for PCSK1-related condition. Last evaluated: 2025-12-04. Review status: criteria provided, single submitter. Criteria: ACMG Guidelines, 2015. Collection method: clinical testing. Allele origin: germline.
Comment: This variant is classified as likely benign based on ACMG/AMP sequence variant interpretation guidelines (Richards et al. 2015 PMID: 25741868, with internal and published modifications).

NM_000439.5(PCSK1):c.1827C>T (p.Ser609=)

Genes: CAST (calpastatin; plus strand), PCSK1 (proprotein convertase subtilisin/kexin type 1; minus strand), LOC101929710 (uncharacterized LOC101929710; plus strand). Cytogenetic location: 5q15.
Variant type: single nucleotide variant.
Coding change: c.1827C>T on transcript NM_000439.5 (MANE Select); coding-DNA position 1827, C replaced by T.
Protein change: p.Ser609=; no amino-acid change (serine 609 retained).
Molecular consequence: synonymous variant. On other transcripts: intron variant (11).
Genome position (GRCh38, 1-based): chr5:96,394,921, G>A on the plus strand (C>T on the coding strand, the complement: PCSK1 is on the minus strand). VCF-style: chr5-96394921-G-A. GRCh37 (hg19) VCF-style: chr5-95730625-G-A.
Other names: c.1686C>T, p.Ser562= (NM_001177875.2); c.-175+15269G>A (NM_001423254.1, NM_001423259.1, NM_001423255.1 and 6 more transcripts); c.-103+15269G>A (NM_001423253.1); c.-40+15269G>A (NM_001423258.1).
Identifiers: ClinVar variation 4981012 (VCV004981012.1).